The following is an entry in ClinVar:

ClinVar aggregate classification (germline): Benign. Review status: criteria provided, multiple submitters, no conflicts (2 of 4 stars). 3 submissions from 3 submitters: Benign (3). Last evaluated 2026-07-01.

Conditions:
Atypical glycine encephalopathy. Also called: Glycine encephalopathy with normal serum glycine. Identifiers: Orphanet 289863, MedGen C4310943, MONDO:0015010, OMIM 617301.

Allele frequency attached by ClinVar (database versions not stated): 1000 Genomes Project 0.00359; 1000 Genomes Project 30x 0.00453; ExAC 0.00827; gnomAD exomes 0.00875; gnomAD 0.00892 and 0.00909; TOPMed 0.00984; ESP Exome Variant Server 0.01084.
gnomAD v4.1: 19,242 of 1,613,966 alleles (1.2%); highest among the groups gnomAD compares: Non-Finnish European, 1.4%; 153 homozygotes.

Submissions (3):

CeGaT Center for Human Genetics Tuebingen
Classification: Benign. Last evaluated: 2026-07-01. Review status: criteria provided, single submitter. Criteria: CeGaT Center For Human Genetics Tuebingen Variant Classification Criteria Version 2. Collection method: clinical testing. Allele origin: germline. Affected: yes. Observed: 14 variant alleles.
Comment: SLC6A9: BP4, BP7, BS1, BS2

Labcorp Genetics (formerly Invitae), Labcorp
Classification: Benign for Atypical glycine encephalopathy. Last evaluated: 2026-01-26. Review status: criteria provided, single submitter. Criteria: Invitae Variant Classification Sherloc (09022015). Collection method: clinical testing. Allele origin: germline.

Breakthrough Genomics
Classification: Benign. Review status: criteria provided, single submitter. Criteria: ACMG Guidelines, 2015. Collection method: not provided. Allele origin: germline. Inheritance: Autosomal recessive inheritance. Affected: yes.

NM_001024845.3(SLC6A9):c.1146G>A (p.Pro382=)

Gene: SLC6A9 (solute carrier family 6 member 9; minus strand). Cytogenetic location: 1p34.1.
Variant type: single nucleotide variant.
Coding change: c.1146G>A on transcript NM_001024845.3 (MANE Select); coding-DNA position 1146, G replaced by A.
Protein change: p.Pro382=; no amino-acid change (proline 382 retained).
Molecular consequence: synonymous variant. On other transcripts: non-coding transcript variant (1).
Genome position (GRCh38, 1-based): chr1:44,001,444, C>T on the plus strand (G>A on the coding strand, the complement: SLC6A9 is on the minus strand). VCF-style: chr1-44001444-C-T. GRCh37 (hg19) VCF-style: chr1-44467116-C-T.
Other names: c.1158G>A, p.Pro386= (NM_001261380.2); c.813G>A, p.Pro271= (NM_001328626.2, NM_001328630.2); c.1083G>A, p.Pro361= (NM_001328627.1); c.951G>A, p.Pro317= (NM_001328628.1); c.1146G>A, p.Pro382= (NM_001328629.1); c.1203G>A, p.Pro401= (NM_006934.4); c.1365G>A, p.Pro455= (NM_201649.4).
Identifiers: ClinVar variation 774154 (VCV000774154.36), dbSNP rs76354303, ClinGen allele CA817592.